The following is an entry in ClinVar:

NM_002691.4(POLD1):c.915G>T (p.Gln305His)

Gene: POLD1 (DNA polymerase delta 1, catalytic subunit; plus strand). Cytogenetic location: 19q13.33.
Variant type: single nucleotide variant.
Coding change: c.915G>T on transcript NM_002691.4 (MANE Select); coding-DNA position 915, G replaced by T.
Protein change: p.Gln305His; replaces glutamine 305 with histidine.
Molecular consequence: missense variant. On other transcripts: non-coding transcript variant (1).
Genome position (GRCh38, 1-based): chr19:50,402,686, G>T. VCF-style: chr19-50402686-G-T. GRCh37 (hg19) VCF-style: chr19-50905943-G-T.
Other names: c.915G>T, p.Gln305His (NM_001256849.1, NM_001308632.1); short protein forms Q305H.
Identifiers: ClinVar variation 2132458 (VCV002132458.4), dbSNP rs2122258558, ClinGen allele CA406977115.
Genomic context (GRCh38, chr19:50,402,686, plus strand): 5'-GCTGGAGGCGGACGTGCTGTGGTCTGACGTGGTCAGTCACCCACCGGAAGGGCCATGGCA[G>T]CGCATTGCGCCCTTGCGCGTGCTCAGCTTCGATATCGAGTGCGCCGGCCGCAAAGGTCTG-3'
Protein context (NP_002682.2, residues 295-315): VVSHPPEGPW[Gln305His]RIAPLRVLSF

ClinVar aggregate classification (germline): Uncertain significance (1 of 4 stars; one submission).

Conditions:
POLD1-related polyposis and colorectal cancer syndrome (CRCS10). Also called: Colorectal cancer 10; COLORECTAL CANCER, SUSCEPTIBILITY TO, ON CHROMOSOME 19q; Colorectal cancer, susceptibility to, 10. Identifiers: Orphanet 220460, MedGen C2675481, MONDO:0012953, OMIM 612591.

Submission:

Labcorp Genetics (formerly Invitae), Labcorp
Classification: Uncertain significance for POLD1-related polyposis and colorectal cancer syndrome. Last evaluated: 2022-05-01. Review status: criteria provided, single submitter. Criteria: Invitae Variant Classification Sherloc (09022015). Collection method: clinical testing. Allele origin: germline.
Comment: This sequence change replaces glutamine, which is neutral and polar, with histidine, which is basic and polar, at codon 305 of the POLD1 protein (p.Gln305His). This variant is not present in population databases (gnomAD no frequency). This variant has not been reported in the literature in individuals affected with POLD1-related conditions. Algorithms developed to predict the effect of missense changes on protein structure and function are either unavailable or do not agree on the potential impact of this missense change (SIFT: "Tolerated"; PolyPhen-2: "Probably Damaging"; Align-GVGD: "Class C0"). In summary, the available evidence is currently insufficient to determine the role of this variant in disease. Therefore, it has been classified as a Variant of Uncertain Significance.